The following is an entry in ClinVar:

NM_024809.5(TCTN2):c.1882C>T (p.His628Tyr)

Gene: TCTN2 (tectonic family member 2; plus strand). Cytogenetic location: 12q24.31.
Variant type: single nucleotide variant.
Coding change: c.1882C>T on transcript NM_024809.5 (MANE Select); coding-DNA position 1882, C replaced by T.
Protein change: p.His628Tyr; replaces histidine 628 with tyrosine.
Molecular consequence: missense variant.
Genome position (GRCh38, 1-based): chr12:123,706,838, C>T. VCF-style: chr12-123706838-C-T. GRCh37 (hg19) VCF-style: chr12-124191385-C-T.
Other names: c.1879C>T, p.His627Tyr (NM_001143850.3); short protein forms H628Y, H627Y.
Identifiers: ClinVar variation 1464518 (VCV001464518.6), dbSNP rs2135862503, ClinGen allele CA387148793.

ClinVar aggregate classification (germline): Uncertain significance (1 of 4 stars; one submission).

Conditions:
Meckel-Gruber syndrome. Also called: DYSENCEPHALIA SPLANCHNOCYSTICA; GRUBER SYNDROME; Dysencephalia splachnocystica. Identifiers: Orphanet 564, MedGen C0265215, MONDO:0018921.
Joubert syndrome. Also called: CEREBELLOPARENCHYMAL DISORDER IV; JOUBERT-BOLTSHAUSER SYNDROME; Familial aplasia of the vermis. Identifiers: Orphanet 475, MedGen C5979921, MONDO:0018772.

gnomAD v4.1: 3 of 1,614,182 alleles (0.00019%); highest among the groups gnomAD compares: Non-Finnish European, 0.00017%; no homozygotes.

Submission:

Labcorp Genetics (formerly Invitae), Labcorp
Classification: Uncertain significance for Joubert syndrome; Meckel-Gruber syndrome. Last evaluated: 2022-02-22. Review status: criteria provided, single submitter. Criteria: Invitae Variant Classification Sherloc (09022015). Collection method: clinical testing. Allele origin: germline.
Comment: This sequence change replaces histidine, which is basic and polar, with tyrosine, which is neutral and polar, at codon 628 of the TCTN2 protein (p.His628Tyr). This variant is not present in population databases (gnomAD no frequency). This variant has not been reported in the literature in individuals affected with TCTN2-related conditions. Algorithms developed to predict the effect of missense changes on protein structure and function (SIFT, PolyPhen-2, Align-GVGD) all suggest that this variant is likely to be tolerated. In summary, the available evidence is currently insufficient to determine the role of this variant in disease. Therefore, it has been classified as a Variant of Uncertain Significance.